The following is an entry in ClinVar:

ClinVar aggregate classification (germline): Likely benign. Review status: criteria provided, multiple submitters, no conflicts (2 of 4 stars). 2 submissions from 2 submitters: Likely benign (2). Last evaluated 2022-11-23.

Allele frequency attached by ClinVar (database versions not stated): TOPMed below 0.00001; ExAC 0.00001; gnomAD 0.00001; gnomAD exomes 0.00001.
gnomAD v4.1: 9 of 1,609,648 alleles (0.00056%); highest among the groups gnomAD compares: South Asian, 0.0022%; no homozygotes.

Submissions (2):

Blueprint Genetics
Classification: Likely benign. Last evaluated: 2022-11-23. Review status: criteria provided, single submitter. Criteria: ACMG Guidelines, 2015. Collection method: clinical testing. Allele origin: germline.

CeGaT Center for Human Genetics Tuebingen
Classification: Likely benign. Last evaluated: 2022-07-01. Review status: criteria provided, single submitter. Criteria: CeGaT Center For Human Genetics Tuebingen Variant Classification Criteria Version 2. Collection method: clinical testing. Allele origin: germline. Affected: yes. Observed: 1 variant allele.
Comment: SCAPER: BP4

NM_020843.4(SCAPER):c.2973C>A (p.Ile991=)

Gene: SCAPER (S-phase cyclin A associated protein in the ER; minus strand). Cytogenetic location: 15q24.3.
Variant type: single nucleotide variant.
Coding change: c.2973C>A on transcript NM_020843.4 (MANE Select); coding-DNA position 2973, C replaced by A.
Protein change: p.Ile991=; no amino-acid change (isoleucine 991 retained).
Molecular consequence: synonymous variant. On other transcripts: non-coding transcript variant (1).
Genome position (GRCh38, 1-based): chr15:76,471,317, G>T on the plus strand (C>A on the coding strand, the complement: SCAPER is on the minus strand). VCF-style: chr15-76471317-G-T. GRCh37 (hg19) VCF-style: chr15-76763658-G-T.
Other names: c.2235C>A, p.Ile745= (NM_001145923.2); c.2991C>A, p.Ile997= (NM_001353009.2); c.2571C>A, p.Ile857= (NM_001353010.2, NM_001353012.2); c.2589C>A, p.Ile863= (NM_001353011.2).
Identifiers: ClinVar variation 2645583 (VCV002645583.25), dbSNP rs769052649, ClinGen allele CA7674556.